The following is an entry in ClinVar:

NM_001101362.3(KBTBD13):c.412G>A (p.Ala138Thr)

Gene: KBTBD13 (kelch repeat and BTB domain containing 13; plus strand). Cytogenetic location: 15q22.31.
Variant type: single nucleotide variant.
Coding change: c.412G>A on transcript NM_001101362.3 (MANE Select); coding-DNA position 412, G replaced by A.
Protein change: p.Ala138Thr; replaces alanine 138 with threonine.
Molecular consequence: missense variant.
Genome position (GRCh38, 1-based): chr15:65,077,227, G>A. VCF-style: chr15-65077227-G-A. GRCh37 (hg19) VCF-style: chr15-65369565-G-A.
Other names: short protein forms A138T.
Identifiers: ClinVar variation 958919 (VCV000958919.9), dbSNP rs1338140080, ClinGen allele CA392860567.

ClinVar aggregate classification (germline): Uncertain significance (1 of 4 stars; one submission).

Conditions:
Nemaline myopathy 6 (NEM6). Also called: Nemaline myopathy 6, autosomal dominant. Identifiers: Orphanet 171439, MedGen C1836472, MONDO:0012237, OMIM 609273.

Allele frequency attached by ClinVar (database versions not stated): gnomAD exomes below 0.00001; gnomAD 0.00002; TOPMed 0.00002.
gnomAD v4.1: 6 of 1,441,414 alleles (0.00042%); highest among the groups gnomAD compares: Non-Finnish European, 0.00055%; no homozygotes.

Submission:

Labcorp Genetics (formerly Invitae), Labcorp
Classification: Uncertain significance for Nemaline myopathy 6. Last evaluated: 2024-04-01. Review status: criteria provided, single submitter. Criteria: Invitae Variant Classification Sherloc (09022015). Collection method: clinical testing. Allele origin: germline.
Comment: This sequence change replaces alanine, which is neutral and non-polar, with threonine, which is neutral and polar, at codon 138 of the KBTBD13 protein (p.Ala138Thr). This variant is not present in population databases (gnomAD no frequency). This variant has not been reported in the literature in individuals affected with KBTBD13-related conditions. ClinVar contains an entry for this variant (Variation ID: 958919). An algorithm developed to predict the effect of missense changes on protein structure and function (PolyPhen-2) suggests that this variant is likely to be tolerated. In summary, the available evidence is currently insufficient to determine the role of this variant in disease. Therefore, it has been classified as a Variant of Uncertain Significance.